The following is an entry in ClinVar:

ClinVar aggregate classification (germline): Uncertain significance (1 of 4 stars; one submission).

Conditions:
Renal cell carcinoma. Identifiers: Orphanet 217071, MedGen C0007134, MeSH D002292, MONDO:0005086, HP:0005584.

Submission:

Labcorp Genetics (formerly Invitae), Labcorp
Classification: Uncertain significance for Renal cell carcinoma. Last evaluated: 2022-01-28. Review status: criteria provided, single submitter. Criteria: Invitae Variant Classification Sherloc (09022015). Collection method: clinical testing. Allele origin: germline.
Comment: Variants that disrupt the consensus splice site are a relatively common cause of aberrant splicing (PMID: 17576681, 9536098). Algorithms developed to predict the effect of sequence changes on RNA splicing suggest that this variant may disrupt the consensus splice site. In summary, the available evidence is currently insufficient to determine the role of this variant in disease. Therefore, it has been classified as a Variant of Uncertain Significance. ClinVar contains an entry for this variant (Variation ID: 842803). This sequence change falls in intron 20 of the MET gene. It does not directly change the encoded amino acid sequence of the MET protein. It affects a nucleotide within the consensus splice site. This variant is not present in population databases (gnomAD no frequency). This variant has not been reported in the literature in individuals affected with MET-related conditions.

Literature cited by the submitters: PubMed 17576681; PubMed 9536098.

NM_000245.4(MET):c.3936-2A>G

Gene: MET (MET proto-oncogene, receptor tyrosine kinase; plus strand). Cytogenetic location: 7q31.2.
Variant type: single nucleotide variant.
Coding change: c.3936-2A>G on transcript NM_000245.4 (MANE Select); the canonical splice acceptor site of the intron before coding-DNA position 3936, A replaced by G.
Molecular consequence: splice acceptor variant.
Genome position (GRCh38, 1-based): chr7:116,795,885, A>G. VCF-style: chr7-116795885-A-G. GRCh37 (hg19) VCF-style: chr7-116435939-A-G.
Other names: c.3990-2A>G (NM_001127500.3); c.2646-2A>G (NM_001324402.2).
Identifiers: ClinVar variation 842803 (VCV000842803.8), dbSNP rs1795654625, ClinGen allele CA369118033.